The following is an entry in ClinVar:

ClinVar aggregate classification (germline): Likely pathogenic. Review status: reviewed by expert panel (3 of 4 stars). 5 submissions from 5 submitters: Likely pathogenic (1). 4 of the submissions do not count toward it. Last evaluated 2020-04-10.

Conditions:
Phenylketonuria (PKU). Also called: Phenylketonuria (PKU); FOLLING DISEASE; OLIGOPHRENIA PHENYLPYRUVICA; Phenylketonurias. Identifiers: Orphanet 716, MedGen C0031485, MONDO:0009861, OMIM 261600. Disease mechanism: loss of function.

Allele frequency attached by ClinVar (database versions not stated): gnomAD exomes 0.00001; ExAC 0.00002.
gnomAD v4.1: 4 of 1,613,192 alleles (0.00025%); highest among the groups gnomAD compares: Admixed American, 0.0067%; no homozygotes.

Submissions (5):

ClinGen PAH Variant Curation Expert Panel
Classification: Likely pathogenic for Phenylketonuria. Last evaluated: 2020-04-10. Review status: reviewed by expert panel. Criteria: ClinGen PAH ACMG Specifications v1. Collection method: curation. Allele origin: germline. Inheritance: Autosomal recessive inheritance.
Comment: The c.183C>G (p.Asn61Lys) variant in PAH has been reported in 3 individuals with mild hyperphenylalaninaemia and mild PKU (BH4 deficiency excluded). (PMID: 10234516, 27121329). This variant is at extremely low frequency in ExAC: MAF=0.00017. This variant was detected with pathogenic variants p.R176L, IVS1nt5G>T (c.60+5G>T) and IVS10-11G>A (PMID: 10234516, 27121329). Computational evidence is conflicting. In summary, this variant meets criteria to be classified as likely pathogenic for PAH. PAH-specific ACMG/AMP criteria applied: PP4_Moderate, PM2, PM3_strong.

Myriad Genetics, Inc.
Classification: Likely pathogenic for Phenylketonuria. Last evaluated: 2025-08-13. Review status: criteria provided, single submitter. Criteria: Myriad Autosomal Dominant, Autosomal Recessive and X-Linked Classification Criteria (2023). Collection method: clinical testing. Allele origin: unknown. Not counted in ClinVar's aggregate classification.
Comment: NM_000277.1(PAH):c.183C>G(N61K) is a missense variant classified as likely pathogenic in the context of phenylalanine hydroxylase deficiency. N61K has been observed in cases with relevant disease (PMID: 27121329, 35281663, 10234516, 30626930). Relevant functional assessments of this variant are not available in the literature. N61K has been observed in referenced population frequency databases. In summary, NM_000277.1(PAH):c.183C>G(N61K) is a missense variant that has been observed more frequently in cases with the relevant disease than in healthy populations. Please note: this variant was assessed in the context of healthy population screening.

Natera, Inc.
Classification: Pathogenic for Phenylketonuria. Last evaluated: 2024-11-22. Review status: criteria provided, single submitter. Criteria: Natera Variant Classification Schema (03/2026). Collection method: clinical testing. Allele origin: germline. Not counted in ClinVar's aggregate classification.
Comment: The c.183C>G variant in PAH is a missense variant predicted to cause substitution of asparagine to lysine at amino acid 61. This variant is rare in the general population with a frequency below the threshold expected for the associated phenotype(s). This variant has been observed in one or more individuals affected with the associated recessive disease, as either homozygous or compound heterozygous with a second variant (PMID: 10234516, 23514811, 30626930, 32668217). Computational prediction algorithms indicate this variant is likely to affect gene or protein function. Given the available evidence, this variant is classified as Pathogenic.

Labcorp Genetics (formerly Invitae), Labcorp
Classification: Pathogenic for Phenylketonuria. Last evaluated: 2023-10-15. Review status: criteria provided, single submitter. Criteria: Invitae Variant Classification Sherloc (09022015). Collection method: clinical testing. Allele origin: germline. Not counted in ClinVar's aggregate classification.
Comment: This sequence change replaces asparagine, which is neutral and polar, with lysine, which is basic and polar, at codon 61 of the PAH protein (p.Asn61Lys). This variant is present in population databases (rs199475634, gnomAD 0.01%). This missense change has been observed in individual(s) with mild hyperphenylalaninaemia (PMID: 10234516). ClinVar contains an entry for this variant (Variation ID: 102618). Advanced modeling of protein sequence and biophysical properties (such as structural, functional, and spatial information, amino acid conservation, physicochemical variation, residue mobility, and thermodynamic stability) performed at Invitae indicates that this missense variant is not expected to disrupt PAH protein function. This variant disrupts the p.Asn61 amino acid residue in PAH. Other variant(s) that disrupt this residue have been determined to be pathogenic (PMID: 12501224; Invitae). This suggests that this residue is clinically significant, and that variants that disrupt this residue are likely to be disease-causing. For these reasons, this variant has been classified as Pathogenic.

DeBelle Laboratory for Biochemical Genetics, MUHC/MCH RESEARCH INSTITUTE
No classification provided. Review status: no classification provided. Collection method: not provided. Allele origin: not provided. Not counted in ClinVar's aggregate classification.

Literature cited by the submitters: PubMed 10234516 (cited by 4 submitters); PubMed 27121329 (cited by ClinGen PAH Variant Curation Expert Panel and Myriad Genetics, Inc.); PubMed 30626930 (cited by Myriad Genetics, Inc. and Natera, Inc.); PubMed 35281663 (cited by Myriad Genetics, Inc.); PubMed 23514811 (cited by Natera, Inc.); PubMed 32668217 (cited by Natera, Inc.); PubMed 12501224 (cited by Labcorp Genetics (formerly Invitae), Labcorp).

NM_000277.3(PAH):c.183C>G (p.Asn61Lys)

Gene: PAH (phenylalanine hydroxylase; minus strand). Cytogenetic location: 12q23.2.
Variant type: single nucleotide variant.
Coding change: c.183C>G on transcript NM_000277.3 (MANE Select); coding-DNA position 183, C replaced by G.
Protein change: p.Asn61Lys; replaces asparagine 61 with lysine.
Molecular consequence: missense variant.
Genome position (GRCh38, 1-based): chr12:102,894,904, G>C on the plus strand (C>G on the coding strand, the complement: PAH is on the minus strand). VCF-style: chr12-102894904-G-C. GRCh37 (hg19) VCF-style: chr12-103288682-G-C.
Other names: c.183C>G, p.Asn61Lys (NM_001354304.2); c.183C>G (NM_000277.2); short protein forms N61K.
Identifiers: ClinVar variation 102618 (VCV000102618.8), dbSNP rs199475634, ClinGen allele CA229471.